The following is an entry in ClinVar:

ClinVar aggregate classification (germline): Uncertain significance (1 of 4 stars; one submission).

Conditions:
Autoimmune lymphoproliferative syndrome type 1. Also called: AUTOIMMUNE LYMPHOPROLIFERATIVE SYNDROME, TYPE I, AUTOSOMAL DOMINANT. Identifiers: Orphanet 3261, MedGen C2717884, MONDO:0011158, OMIM 601859.

Submission:

Labcorp Genetics (formerly Invitae), Labcorp
Classification: Uncertain significance for Autoimmune lymphoproliferative syndrome. Last evaluated: 2021-03-25. Review status: criteria provided, single submitter. Criteria: Invitae Variant Classification Sherloc (09022015). Collection method: clinical testing. Allele origin: germline.
Comment: This variant results in a copy number gain of the genomic region encompassing the full coding sequence of the FASLG gene. The boundaries of this event are unknown as they extend beyond the assayed region for this gene and therefore may encompass additional genes. As the precise location of this event is unknown, it may be in tandem or it may be located elsewhere in the genome. This variant has not been reported in the literature in individuals with FASLG-related conditions. In summary, the available evidence is currently insufficient to determine the role of this variant in disease. Therefore, it has been classified as a Variant of Uncertain Significance.

NC_000001.10:g.(?_171605065)_(173962123_?)dup

Genes: METTL13 (methyltransferase 13, eEF1A N-terminus and K55; plus strand), MIR199A2 (microRNA 199a-2; minus strand), ANKRD45 (ankyrin repeat domain 45; minus strand), C1orf105 (chromosome 1 open reading frame 105; plus strand), CENPL (centromere protein L; minus strand) and 19 more. Cytogenetic location: 1q24.3-25.1.
Variant type: Duplication.
Identifiers: ClinVar variation 1409896 (VCV001409896.4).